The following is an entry in ClinVar:

ClinVar aggregate classification (germline): Likely pathogenic. Review status: criteria provided, multiple submitters, no conflicts (2 of 4 stars). 2 submissions from 2 submitters: Likely pathogenic (2). Last evaluated 2024-09-16.

Conditions:
Holocarboxylase synthetase deficiency. Also called: MULTIPLE CARBOXYLASE DEFICIENCY, EARLY ONSET. Identifiers: Orphanet 79242, MedGen C0268581, MONDO:0009666, OMIM 253270.

Submissions (2):

Natera, Inc.
Classification: Likely pathogenic for Holocarboxylase synthetase deficiency. Last evaluated: 2024-09-16. Review status: criteria provided, single submitter. Criteria: Natera Variant Classification Schema (03/2026). Collection method: clinical testing. Allele origin: germline.
Comment: The c.1760C>G variant in HLCS is a nonsense variant predicted to introduce a stop codon at amino acid 587. This variant is expected to result in nonsense mediated decay, truncation, or a dysfunctional protein product. This variant is rare in the general population with a frequency below the threshold expected for the associated phenotype(s). Given the available evidence, this variant is classified as Likely Pathogenic.

Myriad Genetics, Inc.
Classification: Likely pathogenic for Holocarboxylase synthetase deficiency. Last evaluated: 2019-08-09. Review status: criteria provided, single submitter. Criteria: Myriad Women's Health Autosomal Recessive and X-Linked Classification Criteria (2019). Collection method: clinical testing. Allele origin: unknown.
Comment: NM_000411.6(HLCS):c.1760C>G(S587*) is expected to be pathogenic in the context of holocarboxylase synthetase deficiency. This variant is predicted to lead to an abnormal or absent protein product due to the creation of a premature termination codon in HLCS, a gene where loss-of-function variants are known to be pathogenic. Please note: this variant was assessed in the context of healthy population screening.

NM_001352514.2(HLCS):c.2201C>G (p.Ser734Ter)

Gene: HLCS (holocarboxylase synthetase; minus strand). Cytogenetic location: 21q22.13.
Variant type: single nucleotide variant.
Coding change: c.2201C>G on transcript NM_001352514.2 (MANE Select); coding-DNA position 2201, C replaced by G.
Protein change: p.Ser734Ter; replaces serine 734 with a stop codon.
Molecular consequence: nonsense. On other transcripts: non-coding transcript variant (2).
Genome position (GRCh38, 1-based): chr21:36,759,762, G>C on the plus strand (C>G on the coding strand, the complement: HLCS is on the minus strand). VCF-style: chr21-36759762-G-C. GRCh37 (hg19) VCF-style: chr21-38132063-G-C.
Other names: c.1760C>G, p.Ser587Ter (NM_000411.8, NM_001242784.3, NM_001242785.2 and 4 more transcripts); c.1760C>G (NM_000411.7); short protein forms S587*, S734*.
Identifiers: ClinVar variation 983890 (VCV000983890.4), dbSNP rs2089755918, ClinGen allele CA409919881.
Genomic context (GRCh38, chr21:36,759,762, plus strand): 5'-TGGGGGAAAGGTTTTTGAAACTTACCAATAAGTATATAAAATGTTTCTCCCATGAGTGTT[G>C]AGTTAACCAGAACTCCGCCGATCTTCATGAGGTCACTGTAATAAATATCGTTGGGCCACT-3'